The following is an entry in ClinVar:

ClinVar aggregate classification (germline): Uncertain significance. Review status: criteria provided, multiple submitters, no conflicts (2 of 4 stars). 5 submissions from 5 submitters: Uncertain significance (5). Last evaluated 2026-07-28.

Conditions:
PLEC-related disorder. Also called: PLEC-related disorders; PLEC-related condition.
Epidermolysis bullosa simplex 5C, with pyloric atresia (EBS5C). Also called: PLEC-Related Epidermolysis Bullosa with Pyloric Atresia; PLEC1-Related Epidermolysis Bullosa with Pyloric Atresia; Epidermolysis bullosa simplex with pyloric atresia. Identifiers: Orphanet 158684, MedGen C2677349, MONDO:0012807, OMIM 612138.
Epidermolysis bullosa simplex, Ogna type (EBS5A). Also called: Pidermolysis bullosa simplex 5A, Ogna type; EPIDERMOLYSIS BULLOSA SIMPLEX 5A, OGNA TYPE. Identifiers: Orphanet 79401, MedGen C0432317, MONDO:0007555, OMIM 131950.
Epidermolysis bullosa simplex 5B, with muscular dystrophy (EBS5B). Also called: Epidermolysis bullosa simplex with muscular dystrophy; EPIDERMOLYSIS BULLOSA SIMPLEX AND LIMB-GIRDLE MUSCULAR DYSTROPHY. Identifiers: Orphanet 257, MedGen C2931072, MONDO:0009181, OMIM 226670.
Epidermolysis bullosa simplex with nail dystrophy (EBS5D). Identifiers: MedGen C4225309, MONDO:0014661, OMIM 616487.
Autosomal recessive limb-girdle muscular dystrophy type 2Q (LGMDR17). Also called: MUSCULAR DYSTROPHY, LIMB-GIRDLE, AUTOSOMAL RECESSIVE 17. Identifiers: Orphanet 254361, MedGen C3150989, MONDO:0013390, OMIM 613723.
Inborn genetic diseases. Identifiers: MedGen C0950123, MeSH D030342.

Allele frequency attached by ClinVar (database versions not stated): gnomAD exomes 0.00004 and 0.00007; gnomAD 0.00019 and 0.00021; 1000 Genomes Project 0.00020; ExAC 0.00023; TOPMed 0.00025; 1000 Genomes Project 30x 0.00047.
gnomAD v4.1: 79 of 1,574,258 alleles (0.005%); highest among the groups gnomAD compares: African/African-American, 0.066%; no homozygotes.

Submissions (5):

PreventionGenetics, part of Exact Sciences
Classification: Uncertain significance for PLEC-related condition. Last evaluated: 2026-07-28. Review status: criteria provided, single submitter. Criteria: ACMG Guidelines, 2015. Collection method: clinical testing. Allele origin: germline.
Comment: The PLEC c.13609G>A variant is predicted to result in the amino acid substitution p.Gly4537Ser. To our knowledge, this variant has not been reported in the literature. This variant is reported in 0.092% of alleles in individuals of African descent in gnomAD. Although we suspect that this variant may be benign, at this time, the clinical significance of this variant is uncertain due to the absence of conclusive functional and genetic evidence.

Labcorp Genetics (formerly Invitae), Labcorp
Classification: Uncertain significance for Autosomal recessive limb-girdle muscular dystrophy type 2Q; Epidermolysis bullosa simplex, Ogna type; Epidermolysis bullosa simplex with nail dystrophy; Epidermolysis bullosa simplex 5C, with pyloric atresia; Epidermolysis bullosa simplex 5B, with muscular dystrophy. Last evaluated: 2025-10-04. Review status: criteria provided, single submitter. Criteria: Invitae Variant Classification Sherloc (09022015). Collection method: clinical testing. Allele origin: germline.
Comment: This sequence change replaces glycine, which is neutral and non-polar, with serine, which is neutral and polar, at codon 4537 of the PLEC protein (p.Gly4537Ser). This variant is present in population databases (rs560077433, gnomAD 0.09%). This variant has not been reported in the literature in individuals affected with PLEC-related conditions. ClinVar contains an entry for this variant (Variation ID: 583068). Invitae Evidence Modeling of protein sequence and biophysical properties (such as structural, functional, and spatial information, amino acid conservation, physicochemical variation, residue mobility, and thermodynamic stability) indicates that this missense variant is not expected to disrupt PLEC protein function with a negative predictive value of 80%. In summary, the available evidence is currently insufficient to determine the role of this variant in disease. Therefore, it has been classified as a Variant of Uncertain Significance.

Ambry Genetics
Classification: Uncertain significance for Inborn genetic diseases. Last evaluated: 2024-08-19. Review status: criteria provided, single submitter. Criteria: Ambry Variant Classification Scheme 2023. Collection method: clinical testing. Allele origin: germline.

Revvity Omics, Revvity
Classification: Uncertain significance. Last evaluated: 2023-08-17. Review status: criteria provided, single submitter. Criteria: ACMG Guidelines, 2015. Collection method: clinical testing. Allele origin: germline.

Eurofins Ntd Llc (ga)
Classification: Uncertain significance. Last evaluated: 2018-07-03. Review status: criteria provided, single submitter. Criteria: EGL ClinVar v180209 classification definitions. Collection method: clinical testing. Allele origin: germline. Observed: 1 variant allele, 1 heterozygote.

NM_201384.3(PLEC):c.13528G>A (p.Gly4510Ser)

Gene: PLEC (plectin; minus strand). Cytogenetic location: 8q24.3.
Variant type: single nucleotide variant.
Coding change: c.13528G>A on transcript NM_201384.3 (MANE Select); coding-DNA position 13528, G replaced by A.
Protein change: p.Gly4510Ser; replaces glycine 4510 with serine.
Molecular consequence: missense variant.
Genome position (GRCh38, 1-based): chr8:143,916,293, C>T on the plus strand (G>A on the coding strand, the complement: PLEC is on the minus strand). VCF-style: chr8-143916293-C-T. GRCh37 (hg19) VCF-style: chr8-144990461-C-T.
Other names: c.13609G>A, p.Gly4537Ser (NM_000445.5); c.13486G>A, p.Gly4496Ser (NM_201378.4); c.13462G>A, p.Gly4488Ser (NM_201379.3); c.13939G>A, p.Gly4647Ser (NM_201380.4); c.13432G>A, p.Gly4478Ser (NM_201381.3); c.13528G>A, p.Gly4510Ser (NM_201382.4); c.13540G>A, p.Gly4514Ser (NM_201383.3); c.13609G>A (NM_000445.3); short protein forms G4478S, G4496S, G4510S, G4537S, G4488S, G4514S, G4647S.
Identifiers: ClinVar variation 583068 (VCV000583068.16), dbSNP rs560077433, ClinGen allele CA4923765.